The following is an entry in ClinVar:

NC_012920.1(MT-ATP6):m.8851T>C

Gene: MT-ATP6 (mitochondrially encoded ATP synthase 6; plus strand).
Variant type: single nucleotide variant.
Genome position: chrM-8851-T-C.
Other names: 8851T-C.
Identifiers: ClinVar variation 9645 (VCV000009645.18), dbSNP rs199476136, ClinGen allele CA120598.

ClinVar aggregate classification (germline): Uncertain significance. Review status: reviewed by expert panel (3 of 4 stars). 9 submissions from 9 submitters: Uncertain significance (1). 8 of the submissions do not count toward it. Last evaluated 2022-03-24.

Conditions:
Mitochondrial disease. Also called: Mitochondrial disorder; Mitochondrial disorders. Identifiers: Orphanet 68380, MedGen C0751651, MeSH D028361, MONDO:0044970.
Striatonigral degeneration, infantile, mitochondrial. Also called: BILATERAL STRIATAL NECROSIS, INFANTILE, MITOCHONDRIAL. Identifiers: MedGen C1839022, MONDO:0010774, OMIM 500003.
Leber optic atrophy (LHON). Also called: Optic Atrophy, Hereditary, Leber; Leber hereditary optic neuropathy; Leber's disease; Leber's optic atrophy. Identifiers: Orphanet 104, MedGen C0917796, MONDO:0010788, OMIM 535000, HP:0001112.
NARP syndrome. Also called: NARP; NEUROPATHY, ATAXIA, AND RETINITIS PIGMENTOSA. Identifiers: Orphanet 644, MedGen C1328349, MONDO:0010794, OMIM 551500.
Leigh syndrome (NULS). Also called: Leigh's necrotizing encephalopathy; Leigh's disease; Leigh's syndrome; LEIGH SYNDROME, NUCLEAR; Leigh Disease; Leigh Syndrome (mtDNA deletion). Identifiers: Orphanet 506, MedGen C2931891, MONDO:0009723, OMIM 256000.

Submissions (9):

ClinGen Mitochondrial Disease Nuclear and Mitochondrial  Variant Curation Expert Panel, ClinGen
Classification: Uncertain significance for Mitochondrial disease. Last evaluated: 2022-03-24. Review status: reviewed by expert panel. Criteria: clingen mito disease acmg specifications v1-1. Collection method: curation. Allele origin: germline. Inheritance: Mitochondrial inheritance.
Comment: The m.8851T>C (p.W109R) variant in MT-ATP6 has been reported in 4 individuals with features of primary mitochondrial disease from 3 families. Several affected individuals had a period of normal development followed by delay and regression. Progressive neuromuscular involvement in later onset forms has also been seen. Features include developmental delay, microcephaly, choreoathetotic movements, ataxia, axonal neuropathy, progressive cognitive impairment, retinal dystrophy, hearing loss, and increase of subsarcolemmal mitochondria in muscle. Brain MRI showed bilateral basal ganglia lesions, Leigh syndrome, and cerebellar atrophy; and lab abnormalities included elevated blood and CSF lactate, and elevated ammonia with febrile viral infection. Heteroplasmy levels were generally variable, >68% in multiple tissues; one healthy mother had 85% heteroplasmy; and one healthy sib had 50-60% heteroplasmy (PS4_supporting; PMIDs: 8554662, 23206802, 33704825). There are no reports of de novo occurrence of this variant. This variant segregated with disease in multiple affected members in multiple families and several healthy family members had lower to undetectable levels of the variant (PP1; PMIDs: 8554662, 23206802). There are several occurrences of this variant in healthy population databases. Several studies in yeast (PMID: 31181185) support the functional impact of this variant and showed independent deleterious effects of the variant (PS3_moderate). The computational predictor APOGEE gives a consensus rating of pathogenic with a score of 0.69 (Min=0, Max=1), which predicts a damaging effect on gene function (PP3). In summary, this variant meets criteria to be classified as uncertain significance for primary mitochondrial disease inherited in a mitochondrial manner. This classification was approved by the NICHD/NINDS U24 Mitochondrial Disease Variant Curation Expert Panel on February 28, 2022. Mitochondrial DNA-specific ACMG/AMP criteria applied: PS3_moderate, PS4_supporting, PP1, PP3.

Mendelics
Classification: Uncertain significance for Leber optic atrophy. Last evaluated: 2023-04-21. Review status: criteria provided, single submitter. Criteria: Mendelics Assertion Criteria 2019. Collection method: clinical testing. Allele origin: germline. Not counted in ClinVar's aggregate classification.

Institute of Human Genetics, University of Leipzig Medical Center
Classification: Likely pathogenic for Leigh syndrome. Last evaluated: 2021-07-19. Review status: criteria provided, single submitter. Criteria: ACMG Guidelines, 2015. Collection method: clinical testing. Allele origin: unknown. Affected: yes. Not counted in ClinVar's aggregate classification.
Comment: This variant was identified as homoplasmic

Institute of Medical Genetics and Applied Genomics, University Hospital Tübingen
Classification: Likely pathogenic. Last evaluated: 2020-10-23. Review status: criteria provided, single submitter. Criteria: ACMG Guidelines, 2015. Collection method: clinical testing. Allele origin: germline. Inheritance: Unknown mechanism. Affected: yes. Not counted in ClinVar's aggregate classification.

Wong Mito Lab, Molecular and Human Genetics, Baylor College of Medicine
Classification: Likely pathogenic for Leigh syndrome. Last evaluated: 2019-10-17. Review status: criteria provided, single submitter. Criteria: Modified ACMG Guidelines (Unpublished). Collection method: clinical testing. Allele origin: germline. Not counted in ClinVar's aggregate classification.
Comment: The NC_012920.1:m.8851T>C (YP_003024031.1:p.Trp109Arg) variant in MTATP6 gene is interpretated to be a Likely Pathogenic variant based on the modified ACMG guidelines (unpublished). This variant meets the following evidence codes: PM9, PM10, PP3, PP4, PP6

Solve-RD Consortium
Classification: Likely pathogenic for NARP syndrome. Last evaluated: 2022-06-01. Review status: no assertion criteria provided. Collection method: provider interpretation. Allele origin: maternal. Affected: yes. Not counted in ClinVar's aggregate classification.
Comment: Variant confirmed as disease-causing by referring clinical team

Variant identified during reanalysis of unsolved cases by the Solve-RD project. The Solve-RD project has received funding from the European Union’s Horizon 2020 research and innovation programme under grant agreement No 779257.

OMIM
Classification: Pathogenic for BILATERAL STRIATAL NECROSIS, INFANTILE, MITOCHONDRIAL. Last evaluated: 2007-09-01. Review status: no assertion criteria provided. Collection method: literature only. Allele origin: germline. Not counted in ClinVar's aggregate classification.

GeneReviews
No classification provided. Condition: Leigh syndrome. Review status: no classification provided. Collection method: literature only. Allele origin: germline. Not counted in ClinVar's aggregate classification.

Genomics England Pilot Project, Genomics England
Classification: Pathogenic for Leber optic atrophy. Review status: no assertion criteria provided. Criteria: ACGS Guidelines, 2016. Collection method: clinical testing. Allele origin: germline. Affected: yes. Not counted in ClinVar's aggregate classification.

Literature cited by the submitters: PubMed 31181185 (cited by ClinGen Mitochondrial Disease Nuclear and Mitochondrial  Variant Curation Expert Panel, ClinGen); PubMed 8554662 (cited by Wong Mito Lab, Molecular and Human Genetics, Baylor College of Medicine); PubMed 23206802 (cited by Wong Mito Lab, Molecular and Human Genetics, Baylor College of Medicine); PubMed 24002810 (cited by Wong Mito Lab, Molecular and Human Genetics, Baylor College of Medicine); PubMed 22789932 (cited by Wong Mito Lab, Molecular and Human Genetics, Baylor College of Medicine); PubMed 39825153 (cited by Solve-RD Consortium); PubMed 17663470 (cited by OMIM); NCBI Bookshelf NBK1173 (cited by GeneReviews).